The following is an entry in ClinVar:

NM_000383.4(AIRE):c.328del (p.Arg110fs)

Gene: AIRE (autoimmune regulator; plus strand). Cytogenetic location: 21q22.3.
Variant type: Deletion.
Coding change: c.328del on transcript NM_000383.4 (MANE Select); coding-DNA position 328, one base deleted (C; older notation c.328delC).
Protein change: p.Arg110fs; shifts the reading frame from arginine 110.
Molecular consequence: frameshift variant.
Genome position (GRCh38, 1-based): chr21:44,286,998, C deleted; the last of 4 consecutive C bases (chr21:44,286,995-44,286,998); deleting any one gives the same sequence. VCF-style (leftmost placement, unchanged base first): chr21-44286994-GC-G. GRCh37 (hg19) VCF-style: chr21-45706877-GC-G.
Other names: short protein forms R110fs.
Identifiers: ClinVar variation 553161 (VCV000553161.12), dbSNP rs1162316051, ClinGen allele CA638494062.

ClinVar aggregate classification (germline): Pathogenic. Review status: criteria provided, multiple submitters, no conflicts (2 of 4 stars). 4 submissions from 4 submitters: Pathogenic (3). 1 of the submissions does not count toward it. Last evaluated 2025-08-23.

Conditions:
Polyglandular autoimmune syndrome, type 1 (APS1). Also called: Autoimmune polyendocrine syndrome type 1; Autoimmune polyendocrinopathy syndrome , type I, with or without reversible metaphyseal dysplasia; HYPOADRENOCORTICISM WITH HYPOPARATHYROIDISM AND SUPERFICIAL MONILIASIS; PGA I; AUTOIMMUNE POLYENDOCRINE SYNDROME, TYPE I, WITH OR WITHOUT REVERSIBLE METAPHYSEAL DYSPLASIA; APS I. Identifiers: Orphanet 3453, MedGen C0085859, MONDO:0009411, OMIM 240300.

Submissions (4):

Labcorp Genetics (formerly Invitae), Labcorp
Classification: Pathogenic for Polyglandular autoimmune syndrome, type 1. Last evaluated: 2025-08-23. Review status: criteria provided, single submitter. Criteria: Invitae Variant Classification Sherloc (09022015). Collection method: clinical testing. Allele origin: germline.
Comment: This sequence change creates a premature translational stop signal (p.Arg110Glyfs*37) in the AIRE gene. It is expected to result in an absent or disrupted protein product. Loss-of-function variants in AIRE are known to be pathogenic (PMID: 11524731, 26141571). This variant is present in population databases (no rsID available, gnomAD 0.003%). This premature translational stop signal has been observed in individual(s) with autoimmune polyendocrinopathy syndrome (PMID: 24948345). ClinVar contains an entry for this variant (Variation ID: 553161). For these reasons, this variant has been classified as Pathogenic.

National Institute of Allergy and Infectious Diseases - Centralized Sequencing Program, National Institutes of Health
Classification: Pathogenic for APECED. Last evaluated: 2023-09-14. Review status: criteria provided, single submitter. Criteria: ACMG Guidelines, 2015. Collection method: clinical testing. Allele origin: germline. Affected: yes.

AiLife Diagnostics
Classification: Pathogenic. Last evaluated: 2021-06-23. Review status: criteria provided, single submitter. Criteria: ACMG Guidelines, 2015. Collection method: clinical testing. Allele origin: germline. Affected: yes. Observed: 1 variant allele.

Counsyl
Classification: Likely pathogenic for Polyglandular autoimmune syndrome, type 1. Last evaluated: 2017-07-31. Review status: no assertion criteria provided. Collection method: clinical testing. Allele origin: unknown. Not counted in ClinVar's aggregate classification.

Literature cited by the submitters: PubMed 11524731 (cited by Labcorp Genetics (formerly Invitae), Labcorp); PubMed 26141571 (cited by Labcorp Genetics (formerly Invitae), Labcorp); PubMed 24948345 (cited by 3 submitters); PubMed 27588307 (cited by Counsyl).